The following is an entry in ClinVar:

NM_003361.4(UMOD):c.799T>C (p.Cys267Arg)

Gene: UMOD (uromodulin; minus strand). Cytogenetic location: 16p12.3.
Variant type: single nucleotide variant.
Coding change: c.799T>C on transcript NM_003361.4 (MANE Select); coding-DNA position 799, T replaced by C.
Protein change: p.Cys267Arg; replaces cysteine 267 with arginine.
Molecular consequence: missense variant. On other transcripts: non-coding transcript variant (1).
Genome position (GRCh38, 1-based): chr16:20,348,502, A>G on the plus strand (T>C on the coding strand, the complement: UMOD is on the minus strand). VCF-style: chr16-20348502-A-G. GRCh37 (hg19) VCF-style: chr16-20359824-A-G.
Other names: c.799T>C, p.Cys267Arg (NM_001008389.3, NM_001378232.1, NM_001378233.1 and 3 more transcripts); c.898T>C, p.Cys300Arg (NM_001278614.2); short protein forms C267R, C300R.
Identifiers: ClinVar variation 2438479 (VCV002438479.5), dbSNP rs2507386075, ClinGen allele CA394984393.

ClinVar aggregate classification (germline): Uncertain significance. Review status: criteria provided, multiple submitters, no conflicts (2 of 4 stars). 2 submissions from 2 submitters: Uncertain significance (2). Last evaluated 2024-10-24.

Conditions:
Familial juvenile hyperuricemic nephropathy type 1 (ADTKD1). Also called: Autosomal Dominant Tubulointerstitial Kidney Disease – UMOD; UMOD-Associated Kidney Disease; Uromodulin-associated kidney disease; Glomerulocystic kidney disease with hyperuricemia and isosthenuria; Medullary cystic kidney disease 2. Identifiers: Orphanet 209886, Orphanet 34149, Orphanet 88950, MedGen C4551496, MONDO:0008073, OMIM 162000.

Submissions (2):

Labcorp Genetics (formerly Invitae), Labcorp
Classification: Uncertain significance. Last evaluated: 2024-10-24. Review status: criteria provided, single submitter. Criteria: Invitae Variant Classification Sherloc (09022015). Collection method: clinical testing. Allele origin: germline.
Comment: This sequence change replaces cysteine, which is neutral and slightly polar, with arginine, which is basic and polar, at codon 267 of the UMOD protein (p.Cys267Arg). This variant is not present in population databases (gnomAD no frequency). This variant has not been reported in the literature in individuals affected with UMOD-related conditions. ClinVar contains an entry for this variant (Variation ID: 2438479). Invitae Evidence Modeling of protein sequence and biophysical properties (such as structural, functional, and spatial information, amino acid conservation, physicochemical variation, residue mobility, and thermodynamic stability) indicates that this missense variant is expected to disrupt UMOD protein function with a positive predictive value of 80%. In summary, the available evidence is currently insufficient to determine the role of this variant in disease. Therefore, it has been classified as a Variant of Uncertain Significance.

Revvity Omics, Revvity
Classification: Uncertain significance for Familial juvenile hyperuricemic nephropathy type 1. Last evaluated: 2020-01-30. Review status: criteria provided, single submitter. Criteria: ACMG Guidelines, 2015. Collection method: clinical testing. Allele origin: germline.